The following is an entry in ClinVar:

NM_000111.3(SLC26A3):c.1009C>T (p.Gln337Ter)

Gene: SLC26A3 (solute carrier family 26 member 3; minus strand). Cytogenetic location: 7q22.3.
Variant type: single nucleotide variant.
Coding change: c.1009C>T on transcript NM_000111.3 (MANE Select); coding-DNA position 1009, C replaced by T.
Protein change: p.Gln337Ter; replaces glutamine 337 with a stop codon.
Molecular consequence: nonsense.
Genome position (GRCh38, 1-based): chr7:107,783,315, G>A on the plus strand (C>T on the coding strand, the complement: SLC26A3 is on the minus strand). VCF-style: chr7-107783315-G-A. GRCh37 (hg19) VCF-style: chr7-107423760-G-A.
Other names: short protein forms Q337*.
Identifiers: ClinVar variation 2880525 (VCV002880525.3), dbSNP rs2535463519, ClinGen allele CA368852204.

ClinVar aggregate classification (germline): Pathogenic (1 of 4 stars; one submission).

Submission:

Labcorp Genetics (formerly Invitae), Labcorp
Classification: Pathogenic. Last evaluated: 2023-04-09. Review status: criteria provided, single submitter. Criteria: Invitae Variant Classification Sherloc (09022015). Collection method: clinical testing. Allele origin: germline.
Comment: This variant is not present in population databases (gnomAD no frequency). For these reasons, this variant has been classified as Pathogenic. This variant has not been reported in the literature in individuals affected with SLC26A3-related conditions. This sequence change creates a premature translational stop signal (p.Gln337*) in the SLC26A3 gene. It is expected to result in an absent or disrupted protein product. Loss-of-function variants in SLC26A3 are known to be pathogenic (PMID: 9718329, 21394828).

Literature cited by the submitters: PubMed 9718329; PubMed 21394828.